The following is an entry in ClinVar:

NM_000089.4(COL1A2):c.1501A>G (p.Thr501Ala)

Gene: COL1A2 (collagen type I alpha 2 chain; plus strand). Cytogenetic location: 7q21.3.
Variant type: single nucleotide variant.
Coding change: c.1501A>G on transcript NM_000089.4 (MANE Select); coding-DNA position 1501, A replaced by G.
Protein change: p.Thr501Ala; replaces threonine 501 with alanine.
Molecular consequence: missense variant.
Genome position (GRCh38, 1-based): chr7:94,412,680, A>G. VCF-style: chr7-94412680-A-G. GRCh37 (hg19) VCF-style: chr7-94041992-A-G.
Other names: short protein forms T501A.
Identifiers: ClinVar variation 1774024 (VCV001774024.2), dbSNP rs2484713732, ClinGen allele CA368221972.

ClinVar aggregate classification (germline): Uncertain significance (1 of 4 stars; one submission).

Conditions:
Cardiovascular phenotype. Identifiers: MedGen CN230736.

Allele frequency attached by ClinVar (database versions not stated): gnomAD exomes below 0.00001.
gnomAD v4.1: 1 of 1,613,964 alleles (0.000062%); highest among the groups gnomAD compares: Non-Finnish European, 0.000085%; no homozygotes.

Submission:

Ambry Genetics
Classification: Uncertain significance for Cardiovascular phenotype. Last evaluated: 2021-06-15. Review status: criteria provided, single submitter. Criteria: Ambry Variant Classification Scheme 2023. Collection method: clinical testing. Allele origin: germline.
Comment: The p.T501A variant (also known as c.1501A>G), located in coding exon 25 of the COL1A2 gene, results from an A to G substitution at nucleotide position 1501. The threonine at codon 501 is replaced by alanine, an amino acid with similar properties. This amino acid position is poorly conserved in available vertebrate species. In addition, the in silico prediction for this alteration is inconclusive. Since supporting evidence is limited at this time, the clinical significance of this alteration remains unclear.